The following is an entry in ClinVar:

ClinVar aggregate classification (germline): Benign/Likely benign. Review status: criteria provided, multiple submitters, no conflicts (2 of 4 stars). 2 submissions from 2 submitters: Benign (1); Likely benign (1). Last evaluated 2025-08-25.

Conditions:
Breast-ovarian cancer, familial, susceptibility to, 4. Identifiers: Orphanet 145, MedGen C3280345, MONDO:0013669, OMIM 614291.

Submissions (2):

Labcorp Genetics (formerly Invitae), Labcorp
Classification: Likely benign for Breast-ovarian cancer, familial, susceptibility to, 4. Last evaluated: 2025-08-25. Review status: criteria provided, single submitter. Criteria: Invitae Variant Classification Sherloc (09022015). Collection method: clinical testing. Allele origin: germline.

Myriad Genetics, Inc.
Classification: Benign for Breast-ovarian cancer, familial, susceptibility to, 4. Last evaluated: 2025-02-21. Review status: criteria provided, single submitter. Criteria: Myriad Autosomal Dominant, Autosomal Recessive and X-Linked Classification Criteria (2023). Collection method: clinical testing. Allele origin: unknown.
Comment: This variant is considered benign. This variant is a silent/synonymous amino acid change and it is not expected to impact splicing.

NM_002878.4(RAD51D):c.453G>A (p.Gln151=)

Genes: RAD51D (RAD51 paralog D; minus strand), RAD51L3-RFFL (RAD51L3-RFFL readthrough; minus strand). Cytogenetic location: 17q12.
Variant type: single nucleotide variant.
Coding change: c.453G>A on transcript NM_002878.4 (MANE Select); coding-DNA position 453, G replaced by A.
Protein change: p.Gln151=; no amino-acid change (glutamine 151 retained).
Molecular consequence: synonymous variant. On other transcripts: non-coding transcript variant (1), intron variant (1).
Genome position (GRCh38, 1-based): chr17:35,107,015, C>T on the plus strand (G>A on the coding strand, the complement: RAD51D is on the minus strand). VCF-style: chr17-35107015-C-T. GRCh37 (hg19) VCF-style: chr17-33434034-C-T.
Other names: c.513G>A, p.Gln171= (NM_001142571.2); c.145-534G>A (NM_133629.3).
Identifiers: ClinVar variation 3903653 (VCV003903653.2).